The following is an entry in ClinVar:

ClinVar aggregate classification (germline): Likely benign. Review status: criteria provided, multiple submitters, no conflicts (2 of 4 stars). 2 submissions from 2 submitters: Likely benign (2). Last evaluated 2025-06-27.

Conditions:
Dilated cardiomyopathy 1G (CMD1G). Identifiers: Orphanet 154, MedGen C1858763, MONDO:0011400, OMIM 604145.
Autosomal recessive limb-girdle muscular dystrophy type 2J (LGMDR10). Also called: Limb-girdle muscular dystrophy, type 2J; MUSCULAR DYSTROPHY, LIMB-GIRDLE, AUTOSOMAL RECESSIVE 10. Identifiers: Orphanet 140922, MedGen C1837342, MONDO:0012127, OMIM 608807.

Allele frequency attached by ClinVar (database versions not stated): gnomAD exomes below 0.00001; gnomAD 0.00001.

Submissions (2):

Women's Health and Genetics/Laboratory Corporation of America, LabCorp
Classification: Likely benign. Last evaluated: 2025-06-27. Review status: criteria provided, single submitter. Criteria: LabCorp Variant Classification Summary - May 2015. Collection method: clinical testing. Allele origin: germline.
Comment: Variant summary: TTN c.28465+18delA alters a nucleotide located at a position not widely known to affect splicing. Consensus agreement among computation tools predict no significant impact on normal splicing. However, these predictions have yet to be confirmed by functional studies. The variant was absent in 249024 control chromosomes. The available data on variant occurrences in the general population are insufficient to allow any conclusion about variant significance. To our knowledge, no occurrence of c.28465+18delA in individuals affected with Dilated Cardiomyopathy and no experimental evidence demonstrating its impact on protein function have been reported. ClinVar contains an entry for this variant (Variation ID: 2938366). Based on the evidence outlined above, the variant was classified as likely benign.

Labcorp Genetics (formerly Invitae), Labcorp
Classification: Likely benign for Dilated cardiomyopathy 1G; Autosomal recessive limb-girdle muscular dystrophy type 2J. Last evaluated: 2023-04-07. Review status: criteria provided, single submitter. Criteria: Invitae Variant Classification Sherloc (09022015). Collection method: clinical testing. Allele origin: germline.

NM_001267550.2(TTN):c.32197+18del

Gene: TTN (titin; minus strand). Cytogenetic location: 2q31.2.
Variant type: Deletion.
Coding change: c.32197+18del on transcript NM_001267550.2 (MANE Select); 18 bases into the intron after coding-DNA position 32197, one base deleted (A; older notation c.32197+18delA).
Molecular consequence: intron variant.
Genome position (GRCh38, 1-based): chr2:178,688,659, T deleted on the plus strand (A on the coding strand, the reverse complement: TTN is on the minus strand). VCF-style (leftmost placement, unchanged base first): chr2-178688658-CT-C. GRCh37 (hg19) VCF-style: chr2-179553385-CT-C.
Other names: c.28465+18delA (NM_133378.4); c.13283-46342del (NM_003319.4); c.13859-46342del (NM_133437.4); c.13658-46342del (NM_133432.3); c.28465+18del (NM_133378.4); c.31246+18del (NM_001256850.1).
Identifiers: ClinVar variation 2938366 (VCV002938366.4), dbSNP rs2071504055, ClinGen allele CA1039717899.
Genomic context (GRCh38, chr2:178,688,658, plus strand): 5'-AACAATCACATGTGGAAGAAGAAGAGACTTTGAGGAAACACACACAAACTCATTTATCCC[CT>C]GACTTCCGATTATATACCTTCGTGCCGCGTGACTTCCACTCTTTGAGGAACTGCGAAGGA-3'